The following is an entry in ClinVar:

ClinVar aggregate classification (germline): Conflicting classifications of pathogenicity. Review status: criteria provided, conflicting classifications (1 of 4 stars). 9 submissions from 9 submitters: Uncertain significance (1); Benign (1); Likely benign (6). 1 of the submissions does not count toward it. Last evaluated 2026-08-01.

Conditions:
RDX-related disorder. Also called: RDX-related condition.
Autosomal recessive nonsyndromic hearing loss 24. Identifiers: Orphanet 90636, MedGen C1970239, MONDO:0012602, OMIM 611022.

Allele frequency attached by ClinVar (database versions not stated): gnomAD 0.00166 and 0.00173; 1000 Genomes Project 30x 0.00109; TOPMed 0.00158; 1000 Genomes Project 0.00220; ESP Exome Variant Server 0.00169; gnomAD exomes 0.00186; ExAC 0.00231.
gnomAD v4.1: 3,711 of 1,614,118 alleles (0.23%); highest among the groups gnomAD compares: Non-Finnish European, 0.28%; 13 homozygotes.

Submissions (9):

CeGaT Center for Human Genetics Tuebingen
Classification: Likely benign. Last evaluated: 2026-08-01. Review status: criteria provided, single submitter. Criteria: CeGaT Center For Human Genetics Tuebingen Variant Classification Criteria Version 2. Collection method: clinical testing. Allele origin: germline. Affected: yes. Observed: 3 variant alleles.
Comment: RDX: BS2

Labcorp Genetics (formerly Invitae), Labcorp
Classification: Likely benign. Last evaluated: 2025-12-27. Review status: criteria provided, single submitter. Criteria: Invitae Variant Classification Sherloc (09022015). Collection method: clinical testing. Allele origin: germline.

Blueprint Genetics
Classification: Likely benign. Last evaluated: 2024-11-21. Review status: criteria provided, single submitter. Criteria: ACMG Guidelines, 2015. Collection method: clinical testing. Allele origin: germline.

GeneDx
Classification: Benign. Last evaluated: 2019-11-29. Review status: criteria provided, single submitter. Criteria: GeneDx Variant Classification Process June 2021. Collection method: clinical testing. Allele origin: germline. Affected: yes.
Comment: This variant is associated with the following publications: (PMID: 27231709)

Athena Diagnostics
Classification: Likely benign. Last evaluated: 2019-07-03. Review status: criteria provided, single submitter. Criteria: Athena Diagnostics Criteria. Collection method: clinical testing. Allele origin: germline.

Illumina Laboratory Services, Illumina
Classification: Uncertain significance for Autosomal recessive nonsyndromic hearing loss 24. Last evaluated: 2018-01-13. Review status: criteria provided, single submitter. Criteria: ICSL Variant Classification Criteria 13 December 2019. Collection method: clinical testing. Allele origin: germline.

Laboratory for Molecular Medicine, Mass General Brigham Personalized Medicine
Classification: Likely benign. Last evaluated: 2017-06-06. Review status: criteria provided, single submitter. Criteria: LMM Criteria. Collection method: clinical testing. Allele origin: germline. Observed: 3 variant alleles.
Comment: p.Ala496Val in exon 13 of RDX: This variant is not expected to have clinical sig nificance because it has been identified in 0.3% (411/126718) of European chromo somes including one homozygote by the Genome Aggregation Database (gnomAD; dbSNP rs74983220).

Eurofins Ntd Llc (ga)
Classification: Likely benign. Last evaluated: 2015-02-04. Review status: criteria provided, single submitter. Criteria: EGL Classification Definitions 2015. Collection method: clinical testing. Allele origin: germline. Observed: 1 variant allele, 1 heterozygote.

PreventionGenetics, part of Exact Sciences
Classification: Likely benign for RDX-related condition. Last evaluated: 2022-10-26. Review status: no assertion criteria provided. Collection method: clinical testing. Allele origin: germline. Not counted in ClinVar's aggregate classification.
Comment: This variant is classified as likely benign based on ACMG/AMP sequence variant interpretation guidelines (Richards et al. 2015 PMID: 25741868, with internal and published modifications).

Literature cited by the submitters: PubMed 27231709 (cited by Athena Diagnostics).

NM_002906.4(RDX):c.1487C>T (p.Ala496Val)

Gene: RDX (radixin; minus strand). Cytogenetic location: 11q22.3.
Variant type: single nucleotide variant.
Coding change: c.1487C>T on transcript NM_002906.4 (MANE Select); coding-DNA position 1487, C replaced by T.
Protein change: p.Ala496Val; replaces alanine 496 with valine.
Molecular consequence: missense variant. On other transcripts: intron variant (1).
Genome position (GRCh38, 1-based): chr11:110,233,337, G>A on the plus strand (C>T on the coding strand, the complement: RDX is on the minus strand). VCF-style: chr11-110233337-G-A. GRCh37 (hg19) VCF-style: chr11-110104062-G-A.
Other names: c.1487C>T, p.Ala496Val (NM_001260492.2, NM_001260493.2); c.1079C>T, p.Ala360Val (NM_001260494.2); c.446C>T, p.Ala149Val (NM_001260495.2); c.405-1333C>T (NM_001260496.2); short protein forms A496V, A360V, A149V.
Identifiers: ClinVar variation 44638 (VCV000044638.55), dbSNP rs74983220, ClinGen allele CA134769.